The following is an entry in ClinVar:

ClinVar aggregate classification (germline): Conflicting classifications of pathogenicity. Review status: criteria provided, conflicting classifications (1 of 4 stars). 2 submissions from 2 submitters: Uncertain significance (1); Benign (1). Last evaluated 2025-06-11.

Allele frequency attached by ClinVar (database versions not stated): gnomAD 0.00001.
gnomAD v4.1: 1 of 1,614,052 alleles (0.000062%); highest among the groups gnomAD compares: African/African-American, 0.0013%; no homozygotes.

Submissions (2):

Women's Health and Genetics/Laboratory Corporation of America, LabCorp
Classification: Uncertain significance. Last evaluated: 2025-06-11. Review status: criteria provided, single submitter. Criteria: LabCorp Variant Classification Summary - May 2015. Collection method: clinical testing. Allele origin: germline.
Comment: Variant summary: MTOR c.5290A>G (p.Ile1764Val) results in a conservative amino acid change in the encoded protein sequence. Algorithms developed to predict the effect of missense changes on protein structure and function are either unavailable or do not agree on the potential impact of this missense change. The variant allele was found at a frequency of 6.2e-07 in 1614052 control chromosomes (gnomAD database v4). The available data on variant occurrences in the general population are insufficient to allow any conclusion about variant significance. To our knowledge, no occurrence of c.5290A>G in individuals affected with Smith-Kingsmore Syndrome and no experimental evidence demonstrating its impact on protein function have been reported. ClinVar contains an entry for this variant (Variation ID: 1601267). Based on the evidence outlined above, the variant was classified as uncertain significance.

Labcorp Genetics (formerly Invitae), Labcorp
Classification: Benign. Last evaluated: 2024-07-01. Review status: criteria provided, single submitter. Criteria: Invitae Variant Classification Sherloc (09022015). Collection method: clinical testing. Allele origin: germline.

NM_004958.4(MTOR):c.5290A>G (p.Ile1764Val)

Gene: MTOR (mechanistic target of rapamycin kinase; minus strand). Cytogenetic location: 1p36.22.
Variant type: single nucleotide variant.
Coding change: c.5290A>G on transcript NM_004958.4 (MANE Select); coding-DNA position 5290, A replaced by G.
Protein change: p.Ile1764Val; replaces isoleucine 1764 with valine.
Molecular consequence: missense variant.
Genome position (GRCh38, 1-based): chr1:11,133,154, T>C on the plus strand (A>G on the coding strand, the complement: MTOR is on the minus strand). VCF-style: chr1-11133154-T-C. GRCh37 (hg19) VCF-style: chr1-11193211-T-C.
Other names: c.5290A>G, p.Ile1764Val (NM_001386500.1); c.4042A>G, p.Ile1348Val (NM_001386501.1); short protein forms I1348V, I1764V.
Identifiers: ClinVar variation 1601267 (VCV001601267.9), dbSNP rs1203359315, ClinGen allele CA338400038.